The following is an entry in ClinVar:

NM_000053.4(ATP7B):c.392C>G (p.Ala131Gly)

Gene: ATP7B (ATPase copper transporting beta; minus strand). Cytogenetic location: 13q14.3.
Variant type: single nucleotide variant.
Coding change: c.392C>G on transcript NM_000053.4 (MANE Select); coding-DNA position 392, C replaced by G.
Protein change: p.Ala131Gly; replaces alanine 131 with glycine.
Molecular consequence: missense variant.
Genome position (GRCh38, 1-based): chr13:51,974,828, G>C on the plus strand (C>G on the coding strand, the complement: ATP7B is on the minus strand). VCF-style: chr13-51974828-G-C. GRCh37 (hg19) VCF-style: chr13-52548964-G-C.
Other names: c.296C>G, p.Ala99Gly (NM_001406544.1, NM_001406530.1, NM_001406536.1 and 4 more transcripts); c.392C>G, p.Ala131Gly (NM_001406545.1, NM_001406546.1, NM_001406547.1 and 30 more transcripts); short protein forms A131G, A99G.
Identifiers: ClinVar variation 4756803 (VCV004756803.1).
Genomic context (GRCh38, chr13:51,974,828, plus strand): 5'-CCCTCCACCCGGAGCTTGACCACAGCCTCCTGGGCAGGCAAGGACCTTGAGGGCCAGGAG[G>C]CTGCCTTTCCTTCTGCAATGCTGGCCTCGAAGCCCATGTCCCCAATTTGATGGCAAACCT-3'
Protein context (NP_000044.2, residues 121-141): FEASIAEGKA[Ala131Gly]SWPSRSLPAQ

ClinVar aggregate classification (germline): Uncertain significance (1 of 4 stars; one submission).

Conditions:
Wilson disease (WND). Also called: Wilson's disease. Identifiers: Orphanet 905, MedGen C0019202, MONDO:0010200, OMIM 277900. Disease mechanism: loss of function.

Submission:

Color Diagnostics, LLC DBA Color Health
Classification: Uncertain significance for Wilson disease. Last evaluated: 2025-05-12. Review status: criteria provided, single submitter. Criteria: ACMG Guidelines, 2015. Collection method: clinical testing. Allele origin: germline.
Comment: This missense variant replaces alanine with glycine at codon 131 of the ATP7B protein. Computational prediction suggests that this variant may not impact protein structure and function. To our knowledge, functional studies have not been reported for this variant. This variant has not been reported in individuals affected with ATP7B-related disorders in the literature. This variant has not been identified in the general population by the Genome Aggregation Database (gnomAD). The available evidence is insufficient to determine the role of this variant in disease conclusively. Therefore, this variant is classified as a Variant of Uncertain Significance.